The following is an entry in ClinVar:

NC_000001.10:g.(?_216595184)_(216596610_?)del

Gene: USH2A (usherin; minus strand). Cytogenetic location: 1q41.
Variant type: Deletion.
Identifiers: ClinVar variation 1432118 (VCV001432118.3).

ClinVar aggregate classification (germline): Pathogenic (1 of 4 stars; one submission).

Submission:

Labcorp Genetics (formerly Invitae), Labcorp
Classification: Pathogenic. Last evaluated: 2021-08-27. Review status: criteria provided, single submitter. Criteria: Invitae Variant Classification Sherloc (09022015). Collection method: clinical testing. Allele origin: germline.
Comment: This variant is a gross deletion of the genomic region encompassing exon(s) 1-2 of the USH2A gene, which includes the initiator codon. This deletion extends beyond the assayed region for this gene and therefore may encompass additional genes. It is expected to result in an absent or disrupted protein product. Loss-of-function variants in USH2A are known to be pathogenic (PMID: 10729113, 10909849, 20507924, 25649381). This variant has not been reported in the literature in individuals affected with USH2A-related conditions. For these reasons, this variant has been classified as Pathogenic.

Literature cited by the submitters: PubMed 10729113; PubMed 10909849; PubMed 20507924; PubMed 25649381.